The following is an entry in ClinVar:

NM_001303256.3(MORC2):c.1128C>A (p.His376Gln)

Gene: MORC2 (MORC family CW-type zinc finger 2; minus strand). Cytogenetic location: 22q12.2.
Variant type: single nucleotide variant.
Coding change: c.1128C>A on transcript NM_001303256.3 (MANE Select); coding-DNA position 1128, C replaced by A.
Protein change: p.His376Gln; replaces histidine 376 with glutamine.
Molecular consequence: missense variant.
Genome position (GRCh38, 1-based): chr22:30,938,151, G>T on the plus strand (C>A on the coding strand, the complement: MORC2 is on the minus strand). VCF-style: chr22-30938151-G-T. GRCh37 (hg19) VCF-style: chr22-31334138-G-T.
Other names: c.1128C>A, p.His376Gln (NM_001303257.2); c.942C>A, p.His314Gln (NM_014941.3); short protein forms H376Q, H314Q.
Identifiers: ClinVar variation 623987 (VCV000623987.46), dbSNP rs1424834448, ClinGen allele CA411239429.

ClinVar aggregate classification (germline): Conflicting classifications of pathogenicity. Review status: criteria provided, conflicting classifications (1 of 4 stars). 3 submissions from 3 submitters: Uncertain significance (2); Likely benign (1). Last evaluated 2024-11-04.

Conditions:
Charcot-Marie-Tooth disease axonal type 2Z. Also called: CHARCOT-MARIE-TOOTH DISEASE, AXONAL, AUTOSOMAL DOMINANT, TYPE 2Z; CHARCOT-MARIE-TOOTH NEUROPATHY, TYPE 2Z. Identifiers: Orphanet 466768, MedGen C5569025, MONDO:0014736, OMIM 616688.

Allele frequency attached by ClinVar (database versions not stated): gnomAD exomes below 0.00001.
gnomAD v4.1: 2 of 1,614,024 alleles (0.00012%); highest among the groups gnomAD compares: Non-Finnish European, 0.00017%; no homozygotes.

Submissions (3):

Blueprint Genetics
Classification: Uncertain significance. Last evaluated: 2024-11-04. Review status: criteria provided, single submitter. Criteria: ACMG Guidelines, 2015. Collection method: clinical testing. Allele origin: germline.

Labcorp Genetics (formerly Invitae), Labcorp
Classification: Uncertain significance for Charcot-Marie-Tooth disease axonal type 2Z. Last evaluated: 2024-10-09. Review status: criteria provided, single submitter. Criteria: Invitae Variant Classification Sherloc (09022015). Collection method: clinical testing. Allele origin: germline.
Comment: This sequence change replaces histidine, which is basic and polar, with glutamine, which is neutral and polar, at codon 376 of the MORC2 protein (p.His376Gln). This variant is present in population databases (no rsID available, gnomAD 0.0009%). This variant has not been reported in the literature in individuals affected with MORC2-related conditions. ClinVar contains an entry for this variant (Variation ID: 623987). Invitae Evidence Modeling of protein sequence and biophysical properties (such as structural, functional, and spatial information, amino acid conservation, physicochemical variation, residue mobility, and thermodynamic stability) indicates that this missense variant is not expected to disrupt MORC2 protein function with a negative predictive value of 95%. In summary, the available evidence is currently insufficient to determine the role of this variant in disease. Therefore, it has been classified as a Variant of Uncertain Significance.

CeGaT Center for Human Genetics Tuebingen
Classification: Likely benign. Last evaluated: 2018-09-01. Review status: criteria provided, single submitter. Criteria: CeGaT Center For Human Genetics Tuebingen Variant Classification Criteria Version 2. Collection method: clinical testing. Allele origin: germline. Affected: yes. Observed: 3 variant alleles.